The following is an entry in ClinVar:

NM_001099857.5(IKBKG):c.214C>G (p.Leu72Val)

Gene: IKBKG (inhibitor of nuclear factor kappa B kinase regulatory subunit gamma; plus strand). Cytogenetic location: Xq28.
Variant type: single nucleotide variant.
Coding change: c.214C>G on transcript NM_001099857.5 (MANE Select); coding-DNA position 214, C replaced by G.
Protein change: p.Leu72Val; replaces leucine 72 with valine.
Molecular consequence: missense variant. On other transcripts: non-coding transcript variant (1).
Genome position (GRCh38, 1-based): chrX:154,556,191, C>G. VCF-style: chrX-154556191-C-G. GRCh37 (hg19) VCF-style: chrX-153784406-C-G.
Other names: c.418C>G, p.Leu140Val (NM_001099856.6); c.214C>G, p.Leu72Val (NM_001145255.4, NM_001321396.3, NM_001321397.3 and 5 more transcripts); short protein forms L140V, L72V.
Identifiers: ClinVar variation 4540005 (VCV004540005.2).

ClinVar aggregate classification (germline): Uncertain significance. Review status: criteria provided, multiple submitters, no conflicts (2 of 4 stars). 2 submissions from 2 submitters: Uncertain significance (2). Last evaluated 2026-04-09.

Submissions (2):

Women's Health and Genetics/Laboratory Corporation of America, LabCorp
Classification: Uncertain significance. Last evaluated: 2026-04-09. Review status: criteria provided, single submitter. Criteria: LabCorp Variant Classification Summary - May 2015. Collection method: clinical testing. Allele origin: germline.
Comment: Variant summary: IKBKG c.214C>G (p.Leu72Val) results in a conservative amino acid change in the encoded protein sequence. Algorithms developed to predict the effect of missense changes on protein structure and function are either unavailable or do not agree on the potential impact of this missense change. The variant allele was found at a frequency of 8.3e-05 in 12020 control chromosomes. The available data on variant occurrences in the general population are insufficient to allow any conclusion about variant significance. To our knowledge, no occurrence of c.214C>G in individuals affected with IKBKG-related conditions and no experimental evidence demonstrating its impact on protein function have been reported. ClinVar contains an entry for this variant (Variation ID: 4540005). Based on the evidence outlined above, the variant was classified as uncertain significance.

GeneDx
Classification: Uncertain significance. Last evaluated: 2025-06-26. Review status: criteria provided, single submitter. Criteria: GeneDx Variant Classification Process June 2021. Collection method: clinical testing. Allele origin: germline. Affected: yes.
Comment: In silico analysis suggests that this missense variant does not alter protein structure/function; Has not been previously published as pathogenic or benign to our knowledge